The following is an entry in ClinVar:

NM_000334.4(SCN4A):c.5291A>G (p.Asp1764Gly)

Genes: GH-LCR (growth hormone locus control region; plus strand), SCN4A (sodium voltage-gated channel alpha subunit 4; minus strand). Cytogenetic location: 17q23.3.
Variant type: single nucleotide variant.
Coding change: c.5291A>G on transcript NM_000334.4 (MANE Select); coding-DNA position 5291, A replaced by G.
Protein change: p.Asp1764Gly; replaces aspartic acid 1764 with glycine.
Molecular consequence: missense variant.
Genome position (GRCh38, 1-based): chr17:63,940,991, T>C on the plus strand (A>G on the coding strand, the complement: SCN4A is on the minus strand). VCF-style: chr17-63940991-T-C. GRCh37 (hg19) VCF-style: chr17-62018351-T-C.
Other names: short protein forms D1764G.
Identifiers: ClinVar variation 582417 (VCV000582417.13), dbSNP rs1567815771, ClinGen allele CA400612988.

ClinVar aggregate classification (germline): Conflicting classifications of pathogenicity. Review status: criteria provided, conflicting classifications (1 of 4 stars). 3 submissions from 3 submitters: Uncertain significance (2); Likely benign (1). Last evaluated 2025-01-26.

Conditions:
Inborn genetic diseases. Identifiers: MedGen C0950123, MeSH D030342.
Hyperkalemic periodic paralysis. Also called: Familial hyperkalemic periodic paralysis; Gamstorp disease. Identifiers: Orphanet 682, MedGen C0238357, MONDO:0008224, OMIM 170500, HP:0007215.

Allele frequency attached by ClinVar (database versions not stated): gnomAD exomes below 0.00001; TOPMed below 0.00001.
gnomAD v4.1: 1 of 1,613,160 alleles (0.000062%); highest among the groups gnomAD compares: Non-Finnish European, 0.000085%; no homozygotes.

Submissions (3):

Labcorp Genetics (formerly Invitae), Labcorp
Classification: Uncertain significance for Hyperkalemic periodic paralysis. Last evaluated: 2025-01-26. Review status: criteria provided, single submitter. Criteria: Invitae Variant Classification Sherloc (09022015). Collection method: clinical testing. Allele origin: germline.
Comment: This sequence change replaces aspartic acid, which is acidic and polar, with glycine, which is neutral and non-polar, at codon 1764 of the SCN4A protein (p.Asp1764Gly). This variant is not present in population databases (gnomAD no frequency). This variant has not been reported in the literature in individuals affected with SCN4A-related conditions. ClinVar contains an entry for this variant (Variation ID: 582417). Invitae Evidence Modeling of protein sequence and biophysical properties (such as structural, functional, and spatial information, amino acid conservation, physicochemical variation, residue mobility, and thermodynamic stability) indicates that this missense variant is not expected to disrupt SCN4A protein function with a negative predictive value of 95%. In summary, the available evidence is currently insufficient to determine the role of this variant in disease. Therefore, it has been classified as a Variant of Uncertain Significance.

Ambry Genetics
Classification: Likely benign for Inborn genetic diseases. Last evaluated: 2024-07-02. Review status: criteria provided, single submitter. Criteria: Ambry Variant Classification Scheme 2023. Collection method: clinical testing. Allele origin: germline.

Revvity Omics, Revvity
Classification: Uncertain significance. Last evaluated: 2024-03-05. Review status: criteria provided, single submitter. Criteria: ACMG Guidelines, 2015. Collection method: clinical testing. Allele origin: germline.